The following is an entry in ClinVar:

NC_000016.9:g.(?_28889973)_(28893930_?)dup

Gene: ATP2A1 (ATPase sarcoplasmic/endoplasmic reticulum Ca2+ transporting 1; plus strand). Cytogenetic location: 16p11.2.
Variant type: Duplication.
Identifiers: ClinVar variation 1008530 (VCV001008530.10).

ClinVar aggregate classification (germline): Uncertain significance (1 of 4 stars; one submission).

Conditions:
Brody myopathy. Also called: BRODY DISEASE. Identifiers: Orphanet 53347, MedGen C1832918, MONDO:0010977, OMIM 601003.

Submission:

Labcorp Genetics (formerly Invitae), Labcorp
Classification: Uncertain significance for Brody myopathy. Last evaluated: 2022-07-12. Review status: criteria provided, single submitter. Criteria: Invitae Variant Classification Sherloc (09022015). Collection method: clinical testing. Allele origin: germline.
Comment: In summary, the available evidence is currently insufficient to determine the role of this variant in disease. Therefore, it has been classified as a Variant of Uncertain Significance. Experimental studies and prediction algorithms are not available or were not evaluated, and the functional significance of this variant is currently unknown. This variant has not been reported in the literature in individuals affected with ATP2A1-related conditions. This variant results in a copy number gain of the genomic region encompassing exon(s) 1-5 of the ATP2A1 gene. This region includes the initiator codon of the gene. This copy number gain extends beyond the assayed region for this gene and therefore may encompass additional genes. As the precise location of this event is unknown, it may be in tandem or it may be located elsewhere in the genome.